The following is an entry in ClinVar:

ClinVar aggregate classification (germline): Uncertain significance. Review status: criteria provided, multiple submitters, no conflicts (2 of 4 stars). 2 submissions from 2 submitters: Uncertain significance (2). Last evaluated 2025-12-16.

Conditions:
Inborn genetic diseases. Identifiers: MedGen C0950123, MeSH D030342.

Allele frequency attached by ClinVar (database versions not stated): gnomAD exomes 0.00002; TOPMed 0.00002; ExAC 0.00003; gnomAD 0.00004; 1000 Genomes Project 30x 0.00016.
gnomAD v4.1: 36 of 1,613,104 alleles (0.0022%); highest among the groups gnomAD compares: South Asian, 0.018%; no homozygotes.

Submissions (2):

Ambry Genetics
Classification: Uncertain significance for Inborn genetic diseases. Last evaluated: 2025-12-16. Review status: criteria provided, single submitter. Criteria: Ambry Variant Classification Scheme 2023. Collection method: clinical testing. Allele origin: germline.

Labcorp Genetics (formerly Invitae), Labcorp
Classification: Uncertain significance. Last evaluated: 2022-08-20. Review status: criteria provided, single submitter. Criteria: Invitae Variant Classification Sherloc (09022015). Collection method: clinical testing. Allele origin: germline.
Comment: This sequence change replaces threonine, which is neutral and polar, with methionine, which is neutral and non-polar, at codon 1298 of the FAT4 protein (p.Thr1298Met). This variant is present in population databases (rs765665479, gnomAD 0.02%). This variant has not been reported in the literature in individuals affected with FAT4-related conditions. Advanced modeling of protein sequence and biophysical properties (such as structural, functional, and spatial information, amino acid conservation, physicochemical variation, residue mobility, and thermodynamic stability) performed at Invitae indicates that this missense variant is not expected to disrupt FAT4 protein function. In summary, the available evidence is currently insufficient to determine the role of this variant in disease. Therefore, it has been classified as a Variant of Uncertain Significance.

NM_001291303.3(FAT4):c.3893C>T (p.Thr1298Met)

Gene: FAT4 (FAT atypical cadherin 4; plus strand). Cytogenetic location: 4q28.1.
Variant type: single nucleotide variant.
Coding change: c.3893C>T on transcript NM_001291303.3 (MANE Select); coding-DNA position 3893, C replaced by T.
Protein change: p.Thr1298Met; replaces threonine 1298 with methionine.
Molecular consequence: missense variant.
Genome position (GRCh38, 1-based): chr4:125,320,304, C>T. VCF-style: chr4-125320304-C-T. GRCh37 (hg19) VCF-style: chr4-126241459-C-T.
Other names: c.3893C>T (NM_024582.4); c.3893C>T, p.Thr1298Met (NM_001291285.3, NM_024582.6); short protein forms T1298M.
Identifiers: ClinVar variation 1954018 (VCV001954018.3), dbSNP rs765665479, ClinGen allele CA3072382.
Genomic context (GRCh38, chr4:125,320,304, plus strand): 5'-CACCTGCCTATTCCCTTGTAATTCAAGCAGTGGATTCAGGGACAATCCCCCTCAATTCAA[C>T]GTGTACTTTAAATATTGATATTTTAGATGAAAATGACAATACCCCTTCTTTCCCTAAATC-3'
Protein context (NP_001278232.1, residues 1288-1308): VDSGTIPLNS[Thr1298Met]CTLNIDILDE